The following is an entry in ClinVar:

ClinVar aggregate classification (germline): Uncertain significance (1 of 4 stars; one submission).

gnomAD v4.1: 1 of 1,614,046 alleles (0.000062%); highest among the groups gnomAD compares: Admixed American, 0.0017%; no homozygotes.

Submission:

Ambry Genetics
Classification: Uncertain significance. Last evaluated: 2025-02-03. Review status: criteria provided, single submitter. Criteria: Ambry Variant Classification Scheme 2023. Collection method: clinical testing. Allele origin: germline.
Comment: The p.P761H variant (also known as c.2282C>A), located in coding exon 1 of the TET2 gene, results from a C to A substitution at nucleotide position 2282. The proline at codon 761 is replaced by histidine, an amino acid with similar properties. This amino acid position is conserved. In addition, this alteration is predicted to be tolerated by in silico analysis. Based on the available evidence, the clinical significance of this variant remains unclear.

NM_001127208.3(TET2):c.2282C>A (p.Pro761His)

Genes: TET2 (tet methylcytosine dioxygenase 2; plus strand), TET2-AS1 (TET2 antisense RNA 1; minus strand). Cytogenetic location: 4q24.
Variant type: single nucleotide variant.
Coding change: c.2282C>A on transcript NM_001127208.3 (MANE Select); coding-DNA position 2282, C replaced by A.
Protein change: p.Pro761His; replaces proline 761 with histidine.
Molecular consequence: missense variant.
Genome position (GRCh38, 1-based): chr4:105,236,224, C>A. VCF-style: chr4-105236224-C-A. GRCh37 (hg19) VCF-style: chr4-106157381-C-A.
Other names: c.2282C>A, p.Pro761His (NM_017628.4); short protein forms P761H.
Identifiers: ClinVar variation 3806023 (VCV003806023.1).